The following is an entry in ClinVar:

ClinVar aggregate classification (germline): not provided (0 of 4 stars; one submission).

Conditions:
FG syndrome 1 (OKS). Also called: OPITZ-KAVEGGIA SYNDROME; KELLER SYNDROME; MENTAL RETARDATION, LARGE HEAD, IMPERFORATE ANUS, CONGENITAL HYPOTONIA, AND PARTIAL AGENESIS OF CORPUS CALLOSUM; FG Syndrome Type 1 (FGS1). Identifiers: Orphanet 93932, MedGen C5399762, MONDO:0010590, OMIM 305450.

Submission:

GeneReviews
No classification provided. Condition: FG syndrome. Review status: no classification provided. Collection method: literature only. Allele origin: germline.

Literature cited by the submitters: PubMed 33244165; PubMed 20301719.

NM_005120.3(MED12):c.2786T>A (p.Val929Asp)

Gene: MED12 (mediator complex subunit 12; plus strand). Cytogenetic location: Xq13.1.
Variant type: single nucleotide variant.
Coding change: c.2786T>A on transcript NM_005120.3 (MANE Select); coding-DNA position 2786, T replaced by A.
Protein change: p.Val929Asp; replaces valine 929 with aspartic acid.
Molecular consequence: missense variant.
Genome position (GRCh38, 1-based): chrX:71,127,069, T>A. VCF-style: chrX-71127069-T-A. GRCh37 (hg19) VCF-style: chrX-70346919-T-A.
Other names: short protein forms V929D.
Identifiers: ClinVar variation 1210239 (VCV001210239.2), dbSNP rs2147798220, ClinGen allele CA413516237.